The following is an entry in ClinVar:

NM_001018005.2(TPM1):c.840T>C (p.Asp280=)

Gene: TPM1 (tropomyosin 1; plus strand). Cytogenetic location: 15q22.2.
Variant type: single nucleotide variant.
Coding change: c.840T>C on transcript NM_001018005.2 (MANE Select); coding-DNA position 840, T replaced by C.
Protein change: p.Asp280=; no amino-acid change (aspartic acid 280 retained).
Molecular consequence: synonymous variant. On other transcripts: intron variant (12).
Genome position (GRCh38, 1-based): chr15:63,064,131, T>C. VCF-style: chr15-63064131-T-C. GRCh37 (hg19) VCF-style: chr15-63356330-T-C.
Other names: c.840T>C, p.Asp280= (NM_000366.6, NM_001301244.2, NM_001365779.1); c.732T>C, p.Asp244= (NM_001330346.2, NM_001365781.2, NM_001365782.1); c.898+1486T>C (NM_001365778.1); c.772+1486T>C (NM_001018020.2, NM_001018007.2, NM_001018006.2 and 3 more transcripts); c.664+1486T>C (NM_001330351.2, NM_001330344.2, NM_001018008.2 and 2 more transcripts).
Identifiers: ClinVar variation 887158 (VCV000887158.24), dbSNP rs749271066, ClinGen allele CA032206.

ClinVar aggregate classification (germline): Conflicting classifications of pathogenicity. Review status: criteria provided, conflicting classifications (1 of 4 stars). 9 submissions from 8 submitters: Uncertain significance (3); Likely benign (5). 1 of the submissions does not count toward it. Last evaluated 2026-01-06.

Conditions:
TPM1-related disorder. Also called: TPM1-related condition.
Dilated cardiomyopathy 1Y (CMD1Y). Identifiers: Orphanet 154, Orphanet 54260, MedGen C2678476, MONDO:0012744, OMIM 611878.
Cardiomyopathy (CMYO). Also called: Cardiomyopathies. Identifiers: Orphanet 167848, MedGen C0878544, MONDO:0004994, HP:0001638. Inheritance: Various modes of inheritance.
Hypertrophic cardiomyopathy 3. Also called: TPM1-Related Familial Hypertrophic Cardiomyopathy. Identifiers: MedGen C1861863, MONDO:0007267, OMIM 115196.
Cardiovascular phenotype. Identifiers: MedGen CN230736.
Hypertrophic cardiomyopathy. Also called: HYPERTROPHIC MYOCARDIOPATHY. Identifiers: Orphanet 217569, MedGen C0007194, MeSH D002312, MONDO:0005045, HP:0001639.

Allele frequency attached by ClinVar (database versions not stated): gnomAD 0.00001; ExAC 0.00002; gnomAD exomes 0.00002 and 0.00003; TOPMed 0.00002.
gnomAD v4.1: 45 of 1,613,878 alleles (0.0028%); highest among the groups gnomAD compares: Non-Finnish European, 0.0037%; no homozygotes.

Submissions (9):

Labcorp Genetics (formerly Invitae), Labcorp
Classification: Likely benign for Hypertrophic cardiomyopathy. Last evaluated: 2026-01-06. Review status: criteria provided, single submitter. Criteria: Invitae Variant Classification Sherloc (09022015). Collection method: clinical testing. Allele origin: germline.

Ambry Genetics
Classification: Uncertain significance for Cardiovascular phenotype. Last evaluated: 2024-05-06. Review status: criteria provided, single submitter. Criteria: Ambry Variant Classification Scheme 2023. Collection method: clinical testing. Allele origin: germline.
Comment: The c.840T>C variant (also known as p.D280D), located in coding exon 9 of the TPM1 gene, results from a T to C substitution at nucleotide position 840. This nucleotide substitution does not change the aspartic acid at codon 280. This nucleotide position is not well conserved in available vertebrate species. In silico splice site analysis for this alteration is inconclusive. Since supporting evidence is limited at this time, the clinical significance of this alteration remains unclear.

All of Us Research Program, National Institutes of Health
Classification: Likely benign for Hypertrophic cardiomyopathy. Last evaluated: 2024-02-05. Review status: criteria provided, single submitter. Criteria: ACMG Guidelines, 2015. Collection method: clinical testing. Allele origin: germline. Inheritance: Autosomal dominant inheritance. Observed: 6 variant alleles, 6 heterozygotes.
Comment: This study involves interpretation of variants in research participants for the purpose of population health screening. Participant phenotype was not available at the time of variant classification. Additional details can be found in publication PMID: 35346344, PMCID: PMC8962531

Blueprint Genetics
Classification: Likely benign. Last evaluated: 2023-07-11. Review status: criteria provided, single submitter. Criteria: ACMG Guidelines, 2015. Collection method: clinical testing. Allele origin: germline.

GeneDx
Classification: Likely benign. Last evaluated: 2021-05-13. Review status: criteria provided, single submitter. Criteria: GeneDx Variant Classification Process June 2021. Collection method: clinical testing. Allele origin: germline. Affected: yes.

Color Diagnostics, LLC DBA Color Health
Classification: Likely benign for Cardiomyopathy. Last evaluated: 2018-12-31. Review status: criteria provided, single submitter. Criteria: ACMG Guidelines, 2015. Collection method: clinical testing. Allele origin: germline.

Illumina Laboratory Services, Illumina
Classification: Uncertain significance for Hypertrophic cardiomyopathy 3. Last evaluated: 2018-01-13. Review status: criteria provided, single submitter. Criteria: ICSL Variant Classification Criteria 13 December 2019. Collection method: clinical testing. Allele origin: germline.

Illumina Laboratory Services, Illumina
Classification: Uncertain significance for Dilated cardiomyopathy 1Y. Last evaluated: 2018-01-13. Review status: criteria provided, single submitter. Criteria: ICSL Variant Classification Criteria 13 December 2019. Collection method: clinical testing. Allele origin: germline.

PreventionGenetics, part of Exact Sciences
Classification: Likely benign for TPM1-related condition. Last evaluated: 2019-03-26. Review status: no assertion criteria provided. Collection method: clinical testing. Allele origin: germline. Not counted in ClinVar's aggregate classification.
Comment: This variant is classified as likely benign based on ACMG/AMP sequence variant interpretation guidelines (Richards et al. 2015 PMID: 25741868, with internal and published modifications).